The following is an entry in ClinVar:

ClinVar aggregate classification (germline): Conflicting classifications of pathogenicity. Review status: criteria provided, conflicting classifications (1 of 4 stars). 3 submissions from 3 submitters: Uncertain significance (1); Likely benign (1). 1 of the submissions does not count toward it. Last evaluated 2024-01-12.

Conditions:
IL12RB1-related disorder. Also called: IL12RB1-related condition.
Mendelian susceptibility to mycobacterial diseases due to complete IL12RB1 deficiency. Also called: Immunodeficiency 30; IL12RB1 DEFICIENCY. Identifiers: Orphanet 319552, MedGen C4013949, MONDO:0013955, OMIM 614891.

Allele frequency attached by ClinVar (database versions not stated): gnomAD exomes below 0.00001 and 0.00001; TOPMed 0.00002; gnomAD 0.00003.

Submissions (3):

Blueprint Genetics
Classification: Likely benign. Last evaluated: 2024-01-12. Review status: criteria provided, single submitter. Criteria: ACMG Guidelines, 2015. Collection method: clinical testing. Allele origin: germline.

Labcorp Genetics (formerly Invitae), Labcorp
Classification: Uncertain significance for Mendelian susceptibility to mycobacterial diseases due to complete IL12RB1 deficiency. Last evaluated: 2022-09-27. Review status: criteria provided, single submitter. Criteria: Invitae Variant Classification Sherloc (09022015). Collection method: clinical testing. Allele origin: germline.
Comment: This sequence change falls in intron 8 of the IL12RB1 gene. It does not directly change the encoded amino acid sequence of the IL12RB1 protein. It affects a nucleotide within the consensus splice site. This variant is present in population databases (no rsID available, gnomAD 0.002%). This variant has not been reported in the literature in individuals affected with IL12RB1-related conditions. ClinVar contains an entry for this variant (Variation ID: 935167). Variants that disrupt the consensus splice site are a relatively common cause of aberrant splicing (PMID: 17576681, 9536098). Algorithms developed to predict the effect of sequence changes on RNA splicing suggest that this variant is not likely to affect RNA splicing. In summary, the available evidence is currently insufficient to determine the role of this variant in disease. Therefore, it has been classified as a Variant of Uncertain Significance.

PreventionGenetics, part of Exact Sciences
Classification: Likely benign for IL12RB1-related condition. Last evaluated: 2022-04-18. Review status: no assertion criteria provided. Collection method: clinical testing. Allele origin: germline. Not counted in ClinVar's aggregate classification.
Comment: This variant is classified as likely benign based on ACMG/AMP sequence variant interpretation guidelines (Richards et al. 2015 PMID: 25741868, with internal and published modifications).

Literature cited by the submitters: PubMed 17576681 (cited by Labcorp Genetics (formerly Invitae), Labcorp); PubMed 9536098 (cited by Labcorp Genetics (formerly Invitae), Labcorp).

NM_005535.3(IL12RB1):c.783+5C>T

Gene: IL12RB1 (interleukin 12 receptor subunit beta 1; minus strand). Cytogenetic location: 19p13.11.
Variant type: single nucleotide variant.
Coding change: c.783+5C>T on transcript NM_005535.3 (MANE Select); 5 bases into the intron after coding-DNA position 783, C replaced by T.
Molecular consequence: intron variant.
Genome position (GRCh38, 1-based): chr19:18,073,512, G>A on the plus strand (C>T on the coding strand, the complement: IL12RB1 is on the minus strand). VCF-style: chr19-18073512-G-A. GRCh37 (hg19) VCF-style: chr19-18184322-G-A.
Other names: c.903+5C>T (NM_001290024.2, NM_001440427.1); c.783+5C>T (NM_001290023.2, NM_153701.3); c.804+5C>T (NM_001440425.1, NM_001440424.1); c.924+5C>T (NM_001440426.1).
Identifiers: ClinVar variation 935167 (VCV000935167.9), dbSNP rs995616064, ClinGen allele CA306163748.